The following is an entry in ClinVar:

ClinVar aggregate classification (germline): Conflicting classifications of pathogenicity. Review status: criteria provided, conflicting classifications (1 of 4 stars). 3 submissions from 3 submitters: Uncertain significance (2); Likely benign (1). Last evaluated 2026-08-21.

Conditions:
Multiple endocrine neoplasia, type 2 (MEN2). Identifiers: Orphanet 653, MedGen C4048306, MONDO:0019003. Disease mechanism: gain of function.
Hereditary cancer-predisposing syndrome. Also called: Hereditary Cancer Syndrome; Tumor predisposition; Neoplastic Syndromes, Hereditary; Hereditary neoplastic syndrome. Identifiers: Orphanet 140162, MedGen C0027672, MeSH D009386, MONDO:0015356.

gnomAD v4.1: 2 of 1,614,114 alleles (0.00012%); highest among the groups gnomAD compares: East Asian, 0.0045%; no homozygotes.

Submissions (3):

Ambry Genetics
Classification: Likely benign for Hereditary cancer-predisposing syndrome. Last evaluated: 2026-08-21. Review status: criteria provided, single submitter. Criteria: Ambry Variant Classification Scheme 2023. Collection method: clinical testing. Allele origin: germline.

Color Diagnostics, LLC DBA Color Health
Classification: Uncertain significance for Multiple endocrine neoplasia, type 2. Last evaluated: 2025-07-14. Review status: criteria provided, single submitter. Criteria: ACMG Guidelines, 2015. Collection method: clinical testing. Allele origin: germline.
Comment: This missense variant replaces glutamine with histidine at codon 194 of the RET protein. Computational prediction suggests that this variant may not impact protein structure and function. To our knowledge, functional studies have not been reported for this variant. This variant has been detected in trans with a pathogenic RET c.1900T>A (p.Cys634Ser) variant in two family members affected with medullary thyroid cancer (PMID: 33827484). This variant has not been identified in the general population by the Genome Aggregation Database (gnomAD). The available evidence is insufficient to determine the role of this variant in disease conclusively. Therefore, this variant is classified as a Variant of Uncertain Significance.

Labcorp Genetics (formerly Invitae), Labcorp
Classification: Uncertain significance for Multiple endocrine neoplasia, type 2. Last evaluated: 2025-06-22. Review status: criteria provided, single submitter. Criteria: Invitae Variant Classification Sherloc (09022015). Collection method: clinical testing. Allele origin: germline.
Comment: This sequence change replaces glutamine, which is neutral and polar, with histidine, which is basic and polar, at codon 194 of the RET protein (p.Gln194His). The frequency data for this variant in the population databases is considered unreliable, as metrics indicate poor data quality at this position in the gnomAD database. This missense change has been observed in individual(s) with medullary thyroid carcinoma who also carried a pathogenic allele in the RET gene (PMID: 33827484). ClinVar contains an entry for this variant (Variation ID: 1505940). An algorithm developed to predict the effect of missense changes on protein structure and function outputs the following: PolyPhen-2: "Benign". The histidine amino acid residue is found in multiple mammalian species, which suggests that this missense change does not adversely affect protein function. In summary, the available evidence is currently insufficient to determine the role of this variant in disease. Therefore, it has been classified as a Variant of Uncertain Significance.

Literature cited by the submitters: PubMed 33827484 (cited by 3 submitters).

NM_020975.6(RET):c.582G>C (p.Gln194His)

Gene: RET (ret proto-oncogene; plus strand). Cytogenetic location: 10q11.21.
Variant type: single nucleotide variant.
Coding change: c.582G>C on transcript NM_020975.6 (MANE Select); coding-DNA position 582, G replaced by C.
Protein change: p.Gln194His; replaces glutamine 194 with histidine.
Molecular consequence: missense variant.
Genome position (GRCh38, 1-based): chr10:43,102,586, G>C. VCF-style: chr10-43102586-G-C. GRCh37 (hg19) VCF-style: chr10-43598034-G-C.
Other names: c.582G>C, p.Gln194His (NM_000323.2, NM_001406743.1, NM_001406744.1 and 16 more transcripts); c.453G>C, p.Gln151His (NM_001406761.1, NM_001406762.1, NM_001406764.1 and 4 more transcripts); short protein forms Q194H, Q151H.
Identifiers: ClinVar variation 1505940 (VCV001505940.10), dbSNP rs368116579, ClinGen allele CA376543566.